The following is an entry in ClinVar:

ClinVar aggregate classification (germline): Likely pathogenic (1 of 4 stars; one submission).

Conditions:
SCN1A-related disorder. Also called: SCN1A-related conditions; SCN1A-related condition; SCN1A-related disorders.

Submission:

3billion
Classification: Likely pathogenic for SCN1A-related disorder. Last evaluated: 2024-08-27. Review status: criteria provided, single submitter. Criteria: ACMG Guidelines, 2015. Collection method: clinical testing. Allele origin: germline. Affected: yes.
Comment: The variant is not observed in the gnomAD v4.0.0 dataset. Predicted Consequence/Location: Frameshift: predicted to result in a loss or disruption of normal protein function through nonsense-mediated decay (NMD) or protein truncation. Multiple pathogenic variants are reported downstream of the variant. Therefore, this variant is classified as Likely pathogenic according to the recommendation of ACMG/AMP guideline.

NM_001165963.4(SCN1A):c.3729del (p.Gln1244fs)

Genes: SCN1A (sodium voltage-gated channel alpha subunit 1; minus strand), LOC102724058 (uncharacterized LOC102724058; plus strand). Cytogenetic location: 2q24.3.
Variant type: Deletion.
Coding change: c.3729del on transcript NM_001165963.4 (MANE Select); coding-DNA position 3729, one base deleted (T; older notation c.3729delT).
Protein change: p.Gln1244fs; shifts the reading frame from glutamine 1244.
Molecular consequence: frameshift variant. On other transcripts: non-coding transcript variant (1).
Genome position (GRCh38, 1-based): chr2:166,012,259, A deleted on the plus strand (T on the coding strand, the reverse complement: SCN1A is on the minus strand). VCF-style (leftmost placement, unchanged base first): chr2-166012258-GA-G. GRCh37 (hg19) VCF-style: chr2-166868768-GA-G.
Other names: c.3645del, p.Gln1216fs (NM_001165964.3, NM_001353957.2, NM_001353958.2); c.3729del, p.Gln1244fs (NM_001202435.3, NM_001353948.2); c.3696del, p.Gln1233fs (NM_001353949.2, NM_001353950.2, NM_001353951.2 and 2 more transcripts); c.3693del, p.Gln1232fs (NM_001353954.2, NM_001353955.2); c.3642del, p.Gln1215fs (NM_001353960.2); c.1287del, p.Gln430fs (NM_001353961.2); short protein forms Q1215fs, Q1216fs, Q1232fs, Q1233fs, Q1244fs, Q430fs.
Identifiers: ClinVar variation 4292294 (VCV004292294.1).
Genomic context (GRCh38, chr2:166,012,258, plus strand): 5'-TGAAAATGTAAGTGAAAACCTTGTCAGCATATTCCAACATCGTCTTAATCGTCTTTCGCT[GA>G]TCAATATATATATCTTCAAATGCCTATAAAGAAAATGTTACACATTATTAGCTTTCAAAA-3'